The following is an entry in ClinVar:

ClinVar aggregate classification (germline): Conflicting classifications of pathogenicity. Review status: criteria provided, conflicting classifications (1 of 4 stars). 12 submissions from 11 submitters: Uncertain significance (6); Benign (1); Likely benign (4). 1 of the submissions does not count toward it. Last evaluated 2025-12-24.

Conditions:
SETX-related disorder. Also called: SETX-related condition; SETX-related disorders. Identifiers: MedGen CN239403.
Inborn genetic diseases. Identifiers: MedGen C0950123, MeSH D030342.
Spinocerebellar ataxia, autosomal recessive, with axonal neuropathy 2 (SCAN2). Also called: Ataxia with Oculomotor Apraxia Type 2; ATAXIA-OCULOMOTOR APRAXIA 2; Ataxia with Oculomotor Apraxia; Ataxia-ocular apraxia-2. Identifiers: Orphanet 64753, MedGen C1853761, MONDO:0018996, OMIM 606002.
Amyotrophic lateral sclerosis type 4 (ALS4). Also called: NEURONOPATHY, DISTAL HEREDITARY MOTOR, WITH PYRAMIDAL FEATURES; AMYOTROPHIC LATERAL SCLEROSIS 4, JUVENILE. Identifiers: Orphanet 357043, MedGen C1865409, MONDO:0011223, OMIM 602433.
Hereditary spastic paraplegia. Also called: Familial spastic paraparesis. Identifiers: Orphanet 685, MedGen C0037773, MONDO:0019064. Disease mechanism: loss of function.

Allele frequency attached by ClinVar (database versions not stated): ESP Exome Variant Server 0.00015; gnomAD exomes 0.00023 and 0.00038; ExAC 0.00026; TOPMed 0.00029; gnomAD 0.00038 and 0.00039.
gnomAD v4.1: 418 of 1,614,044 alleles (0.026%); highest among the groups gnomAD compares: Non-Finnish European, 0.015%; 1 homozygote.

Submissions (12):

Labcorp Genetics (formerly Invitae), Labcorp
Classification: Likely benign for Amyotrophic lateral sclerosis type 4; Spinocerebellar ataxia, autosomal recessive, with axonal neuropathy 2. Last evaluated: 2025-12-24. Review status: criteria provided, single submitter. Criteria: Invitae Variant Classification Sherloc (09022015). Collection method: clinical testing. Allele origin: germline.

CeGaT Center for Human Genetics Tuebingen
Classification: Uncertain significance. Last evaluated: 2025-11-01. Review status: criteria provided, single submitter. Criteria: CeGaT Center For Human Genetics Tuebingen Variant Classification Criteria Version 2. Collection method: clinical testing. Allele origin: germline. Affected: yes. Observed: 1 variant allele.

Laboratory of Genetics, Children's Clinical University Hospital Latvia
Classification: Likely benign. Last evaluated: 2025-02-16. Review status: criteria provided, single submitter. Criteria: ACMG Guidelines, 2015. Collection method: clinical testing. Allele origin: germline. Affected: yes.

Blueprint Genetics
Classification: Uncertain significance. Last evaluated: 2024-11-22. Review status: criteria provided, single submitter. Criteria: ACMG Guidelines, 2015. Collection method: clinical testing. Allele origin: germline.

Mayo Clinic Laboratories, Mayo Clinic
Classification: Uncertain significance. Last evaluated: 2021-09-15. Review status: criteria provided, single submitter. Criteria: ACMG Guidelines, 2015. Collection method: clinical testing. Allele origin: germline.

Ambry Genetics
Classification: Likely benign for Inborn genetic diseases. Last evaluated: 2019-09-15. Review status: criteria provided, single submitter. Criteria: Ambry Variant Classification Scheme 2023. Collection method: clinical testing. Allele origin: germline.

Athena Diagnostics
Classification: Benign. Last evaluated: 2019-06-30. Review status: criteria provided, single submitter. Criteria: Athena Diagnostics Criteria. Collection method: clinical testing. Allele origin: germline.

Fulgent Genetics
Classification: Uncertain significance for Amyotrophic lateral sclerosis type 4; Spinocerebellar ataxia, autosomal recessive, with axonal neuropathy 2. Last evaluated: 2018-10-31. Review status: criteria provided, single submitter. Criteria: ACMG Guidelines, 2015. Collection method: clinical testing. Allele origin: unknown.

Illumina Laboratory Services, Illumina
Classification: Uncertain significance for Spinocerebellar ataxia, autosomal recessive, with axonal neuropathy 2. Last evaluated: 2018-01-13. Review status: criteria provided, single submitter. Criteria: ICSL Variant Classification Criteria 13 December 2019. Collection method: clinical testing. Allele origin: germline.

Illumina Laboratory Services, Illumina
Classification: Likely benign for Amyotrophic lateral sclerosis type 4. Last evaluated: 2018-01-13. Review status: criteria provided, single submitter. Criteria: ICSL Variant Classification Criteria 13 December 2019. Collection method: clinical testing. Allele origin: germline.
Comment: This variant was observed in the ICSL laboratory as part of a predisposition screen in an ostensibly healthy population. It had not been previously curated by ICSL or reported in the Human Gene Mutation Database (HGMD: prior to June 1st, 2018), and was therefore a candidate for classification through an automated scoring system. Utilizing variant allele frequency, disease prevalence and penetrance estimates, and inheritance mode, an automated score was calculated to assess if this variant is too frequent to cause the disease. Based on the score and internal cut-off values, a variant classified as likely benign is not then subjected to further curation. The score for this variant resulted in a classification of likely benign for this disease.

Unit for Genetic & Epidemiological Research on Neurological Disorders, Instituto de Investigação e Inovação em Saúde
Classification: Uncertain significance for Hereditary spastic paraplegia. Last evaluated: 2017-03-07. Review status: criteria provided, single submitter. Criteria: Morais et al. (Eur J Hum Genet. 2017). Collection method: research. Allele origin: unknown. Affected: yes.

PreventionGenetics, part of Exact Sciences
Classification: Likely benign for SETX-related condition. Last evaluated: 2022-05-26. Review status: no assertion criteria provided. Collection method: clinical testing. Allele origin: germline. Not counted in ClinVar's aggregate classification.
Comment: This variant is classified as likely benign based on ACMG/AMP sequence variant interpretation guidelines (Richards et al. 2015 PMID: 25741868, with internal and published modifications).

Literature cited by the submitters: PubMed 28832565 (cited by Athena Diagnostics); PubMed 28642336 (cited by Athena Diagnostics).

NM_015046.7(SETX):c.3826C>G (p.Gln1276Glu)

Gene: SETX (senataxin; minus strand). Cytogenetic location: 9q34.13.
Variant type: single nucleotide variant.
Coding change: c.3826C>G on transcript NM_015046.7 (MANE Select); coding-DNA position 3826, C replaced by G.
Protein change: p.Gln1276Glu; replaces glutamine 1276 with glutamic acid.
Molecular consequence: missense variant.
Genome position (GRCh38, 1-based): chr9:132,327,772, G>C on the plus strand (C>G on the coding strand, the complement: SETX is on the minus strand). VCF-style: chr9-132327772-G-C. GRCh37 (hg19) VCF-style: chr9-135203159-G-C.
Other names: c.3826C>G, p.Gln1276Glu (NM_001351527.2, NM_001351528.2); short protein forms Q1276E.
Identifiers: ClinVar variation 424692 (VCV000424692.32), dbSNP rs148604312, ClinGen allele CA5297318.